The following is an entry in ClinVar:

ClinVar aggregate classification (germline): Uncertain significance (1 of 4 stars; one submission).

Conditions:
Hereditary cancer-predisposing syndrome. Also called: Neoplastic Syndromes, Hereditary; Tumor predisposition; Hereditary neoplastic syndrome; Hereditary Cancer Syndrome. Identifiers: Orphanet 140162, MedGen C0027672, MeSH D009386, MONDO:0015356.

Submission:

Ambry Genetics
Classification: Uncertain significance for Hereditary cancer-predisposing syndrome. Last evaluated: 2023-11-29. Review status: criteria provided, single submitter. Criteria: Ambry Variant Classification Scheme 2023. Collection method: clinical testing. Allele origin: germline.
Comment: The p.W126R variant (also known as c.376T>A), located in coding exon 1 of the MEN1 gene, results from a T to A substitution at nucleotide position 376. The tryptophan at codon 126 is replaced by arginine, an amino acid with dissimilar properties. This amino acid position is conserved. In addition, this alteration is predicted to be deleterious by in silico analysis. Since supporting evidence is limited at this time, the clinical significance of this alteration remains unclear.

NM_001370259.2(MEN1):c.376T>A (p.Trp126Arg)

Gene: MEN1 (menin 1; minus strand). Cytogenetic location: 11q13.1.
Variant type: single nucleotide variant.
Coding change: c.376T>A on transcript NM_001370259.2 (MANE Select); coding-DNA position 376, T replaced by A.
Protein change: p.Trp126Arg; replaces tryptophan 126 with arginine.
Molecular consequence: missense variant. On other transcripts: non-coding transcript variant (4).
Genome position (GRCh38, 1-based): chr11:64,809,734, A>T on the plus strand (T>A on the coding strand, the complement: MEN1 is on the minus strand). VCF-style: chr11-64809734-A-T. GRCh37 (hg19) VCF-style: chr11-64577206-A-T.
Other names: c.376T>A, p.Trp126Arg (NM_000244.4, NM_001370251.2, NM_001370260.2 and 20 more transcripts); short protein forms W126R.
Identifiers: ClinVar variation 3229096 (VCV003229096.1), dbSNP rs1592657993, ClinGen allele CA381187298.
Genomic context (GRCh38, chr11:64,809,734, plus strand): 5'-AGCTGAAGAGGGACTGGATGTGGGCCCGATCCTTGAAGTAGGAGCGGCTGAGGCTGTTCC[A>T]TATGACATCGGAGACCTTCTTCACCAGCTCACGGCTGGAGACACCCCCTTCTCGAGGATA-3'
Protein context (NP_001357188.2, residues 116-136): ELVKKVSDVI[Trp126Arg]NSLSRSYFKD